The following is an entry in ClinVar:

NM_007078.3(LDB3):c.1700G>A (p.Gly567Asp)

Gene: LDB3 (LIM domain binding 3; plus strand). Cytogenetic location: 10q23.2.
Variant type: single nucleotide variant.
Coding change: c.1700G>A on transcript NM_007078.3 (MANE Select); coding-DNA position 1700, G replaced by A.
Protein change: p.Gly567Asp; replaces glycine 567 with aspartic acid.
Molecular consequence: missense variant.
Genome position (GRCh38, 1-based): chr10:86,717,987, G>A. VCF-style: chr10-86717987-G-A. GRCh37 (hg19) VCF-style: chr10-88477744-G-A.
Other names: c.1370G>A, p.Gly457Asp (NM_001080114.2); c.1715G>A, p.Gly572Asp (NM_001171610.2); c.1511G>A, p.Gly504Asp (NM_001368064.1, NM_001368065.1); c.1559G>A, p.Gly520Asp (NM_001368066.1); short protein forms G457D, G572D, G504D, G520D, G567D.
Identifiers: ClinVar variation 1482226 (VCV001482226.6), dbSNP rs2132485348, ClinGen allele CA377451871.
Genomic context (GRCh38, chr10:86,717,987, plus strand): 5'-GAGCTGCCTTACTGGGTGCCATTCTGTGCTTCCCCAGGGGCCCATTTCTGGTAGCCATGG[G>A]CCGTTCTTGGCACCCTGAAGAGTTCACCTGTGCCTACTGCAAGACTTCCCTGGCAGATGT-3'
Protein context (NP_009009.1, residues 557-577): VIRGPFLVAM[Gly567Asp]RSWHPEEFTC

ClinVar aggregate classification (germline): Uncertain significance (1 of 4 stars; one submission).

Conditions:
Myofibrillar myopathy 4. Also called: Zaspopathy (type). Identifiers: Orphanet 98912, MedGen C4721886, MONDO:0012277, OMIM 609452.

Allele frequency attached by ClinVar (database versions not stated): gnomAD exomes below 0.00001.
gnomAD v4.1: 2 of 1,614,152 alleles (0.00012%); highest among the groups gnomAD compares: Non-Finnish European, 0.00017%; no homozygotes.

Submission:

Labcorp Genetics (formerly Invitae), Labcorp
Classification: Uncertain significance for Myofibrillar myopathy 4. Last evaluated: 2021-10-15. Review status: criteria provided, single submitter. Criteria: Invitae Variant Classification Sherloc (09022015). Collection method: clinical testing. Allele origin: germline.
Comment: This sequence change replaces glycine with aspartic acid at codon 567 of the LDB3 protein (p.Gly567Asp). The LDB3 gene has multiple clinically relevant transcripts. This variant occurs in alternate transcript NM_007078.3:c.1700G>A, and corresponds to NM_001080116.1 *18613G>A in the primary transcript. In summary, the available evidence is currently insufficient to determine the role of this variant in disease. Therefore, it has been classified as a Variant of Uncertain Significance. Experimental studies and prediction algorithms are not available or were not evaluated, and the functional significance of this variant is currently unknown. This variant has not been reported in the literature in individuals affected with LDB3-related conditions. This variant is not present in population databases (ExAC no frequency).